The following is an entry in ClinVar:

NM_001387274.1(DCDC1):c.4090A>G (p.Ile1364Val)

Gene: DCDC1 (doublecortin domain containing 1; minus strand). Cytogenetic location: 11p14.1.
Variant type: single nucleotide variant.
Coding change: c.4090A>G on transcript NM_001387274.1 (MANE Select); coding-DNA position 4090, A replaced by G.
Protein change: p.Ile1364Val; replaces isoleucine 1364 with valine.
Molecular consequence: missense variant.
Genome position (GRCh38, 1-based): chr11:30,906,554, T>C on the plus strand (A>G on the coding strand, the complement: DCDC1 is on the minus strand). VCF-style: chr11-30906554-T-C. GRCh37 (hg19) VCF-style: chr11-30928101-T-C.
Other names: c.4090A>G, p.Ile1364Val (NM_001367979.1); c.844A>G, p.Ile282Val (NM_001387275.1); c.1411A>G, p.Ile471Val (NM_020869.4); short protein forms I1364V, I282V, I471V.
Identifiers: ClinVar variation 2641699 (VCV002641699.24), dbSNP rs376717271, ClinGen allele CA5931617.

ClinVar aggregate classification (germline): Likely benign (1 of 4 stars; one submission).

Allele frequency attached by ClinVar (database versions not stated): TOPMed below 0.00001; gnomAD 0.00001; ExAC 0.00002; ESP Exome Variant Server 0.00008; 1000 Genomes Project 0.00020; 1000 Genomes Project 30x 0.00031.
gnomAD v4.1: 7 of 1,612,936 alleles (0.00043%); highest among the groups gnomAD compares: African/African-American, 0.0013%; no homozygotes.

Submission:

CeGaT Center for Human Genetics Tuebingen
Classification: Likely benign. Last evaluated: 2022-07-01. Review status: criteria provided, single submitter. Criteria: CeGaT Center For Human Genetics Tuebingen Variant Classification Criteria Version 2. Collection method: clinical testing. Allele origin: germline. Affected: yes. Observed: 1 variant allele.
Comment: DCDC1: BP4